The following is an entry in ClinVar:

ClinVar aggregate classification (germline): Likely benign. Review status: criteria provided, multiple submitters, no conflicts (2 of 4 stars). 2 submissions from 2 submitters: Likely benign (2). Last evaluated 2025-10-05.

Allele frequency attached by ClinVar (database versions not stated): gnomAD exomes below 0.00001; ExAC 0.00002.
gnomAD v4.1: 2 of 1,613,902 alleles (0.00012%); highest among the groups gnomAD compares: Non-Finnish European, 0.00017%; no homozygotes.

Submissions (2):

Labcorp Genetics (formerly Invitae), Labcorp
Classification: Likely benign. Last evaluated: 2025-10-05. Review status: criteria provided, single submitter. Criteria: Invitae Variant Classification Sherloc (09022015). Collection method: clinical testing. Allele origin: germline.

CeGaT Center for Human Genetics Tuebingen
Classification: Likely benign. Last evaluated: 2025-08-01. Review status: criteria provided, single submitter. Criteria: CeGaT Center For Human Genetics Tuebingen Variant Classification Criteria Version 2. Collection method: clinical testing. Allele origin: germline. Affected: yes. Observed: 1 variant allele.
Comment: CEP152: BP4, BP7

NM_001194998.2(CEP152):c.1230A>G (p.Glu410=)

Gene: CEP152 (centrosomal protein 152; minus strand). Cytogenetic location: 15q21.1.
Variant type: single nucleotide variant.
Coding change: c.1230A>G on transcript NM_001194998.2 (MANE Select); coding-DNA position 1230, A replaced by G.
Protein change: p.Glu410=; no amino-acid change (glutamic acid 410 retained).
Molecular consequence: synonymous variant.
Genome position (GRCh38, 1-based): chr15:48,784,064, T>C on the plus strand (A>G on the coding strand, the complement: CEP152 is on the minus strand). VCF-style: chr15-48784064-T-C. GRCh37 (hg19) VCF-style: chr15-49076261-T-C.
Other names: c.1230A>G, p.Glu410= (NM_014985.4).
Identifiers: ClinVar variation 2903587 (VCV002903587.11), dbSNP rs765945829, ClinGen allele CA7548902.